The following is an entry in ClinVar:

ClinVar aggregate classification (germline): Benign/Likely benign. Review status: criteria provided, multiple submitters, no conflicts (2 of 4 stars). 5 submissions from 5 submitters: Benign (3); Likely benign (1). 1 of the submissions does not count toward it. Last evaluated 2026-06-01.

Conditions:
SETBP1-related disorder. Also called: SETBP1-related condition; SETBP1-related disorders.

Allele frequency attached by ClinVar (database versions not stated): gnomAD 0.00004; gnomAD exomes 0.00005 and 0.00023; TOPMed 0.00009; ExAC 0.00015.
gnomAD v4.1: 81 of 1,613,798 alleles (0.005%); highest among the groups gnomAD compares: Admixed American, 0.11%; no homozygotes.

Submissions (5):

CeGaT Center for Human Genetics Tuebingen
Classification: Likely benign. Last evaluated: 2026-06-01. Review status: criteria provided, single submitter. Criteria: CeGaT Center For Human Genetics Tuebingen Variant Classification Criteria Version 2. Collection method: clinical testing. Allele origin: germline. Affected: yes. Observed: 2 variant alleles.
Comment: SETBP1: BP4, BP7, BS1

Labcorp Genetics (formerly Invitae), Labcorp
Classification: Benign. Last evaluated: 2026-02-02. Review status: criteria provided, single submitter. Criteria: Invitae Variant Classification Sherloc (09022015). Collection method: clinical testing. Allele origin: germline.

Athena Diagnostics
Classification: Benign. Last evaluated: 2024-10-11. Review status: criteria provided, single submitter. Criteria: Athena Diagnostics Criteria. Collection method: clinical testing. Allele origin: unknown.

GeneDx
Classification: Benign. Last evaluated: 2020-06-07. Review status: criteria provided, single submitter. Criteria: GeneDx Variant Classification Process June 2021. Collection method: clinical testing. Allele origin: germline. Affected: yes.

PreventionGenetics, part of Exact Sciences
Classification: Likely benign for SETBP1-related condition. Last evaluated: 2022-10-06. Review status: no assertion criteria provided. Collection method: clinical testing. Allele origin: germline. Not counted in ClinVar's aggregate classification.
Comment: This variant is classified as likely benign based on ACMG/AMP sequence variant interpretation guidelines (Richards et al. 2015 PMID: 25741868, with internal and published modifications).

NM_015559.3(SETBP1):c.2571C>T (p.Ser857=)

Gene: SETBP1 (SET binding protein 1; plus strand). Cytogenetic location: 18q12.3.
Variant type: single nucleotide variant.
Coding change: c.2571C>T on transcript NM_015559.3 (MANE Select); coding-DNA position 2571, C replaced by T.
Protein change: p.Ser857=; no amino-acid change (serine 857 retained).
Molecular consequence: synonymous variant.
Genome position (GRCh38, 1-based): chr18:44,951,911, C>T. VCF-style: chr18-44951911-C-T. GRCh37 (hg19) VCF-style: chr18-42531876-C-T.
Identifiers: ClinVar variation 707724 (VCV000707724.15), dbSNP rs763175959, ClinGen allele CA8945762.